The following is an entry in ClinVar:

ClinVar aggregate classification (germline): Uncertain significance (1 of 4 stars; one submission).

Conditions:
Emery-Dreifuss muscular dystrophy 5, autosomal dominant (EDMD5). Also called: EMERY-DREIFUSS MUSCULAR DYSTROPHY 5. Identifiers: Orphanet 261, MedGen C2751805, MONDO:0013072, OMIM 612999.

Allele frequency attached by ClinVar (database versions not stated): gnomAD 0.00001; TOPMed 0.00001; gnomAD exomes 0.00002; ExAC 0.00003.
gnomAD v4.1: 8 of 1,611,708 alleles (0.0005%); highest among the groups gnomAD compares: Non-Finnish European, 0.00068%; no homozygotes.

Submission:

Labcorp Genetics (formerly Invitae), Labcorp
Classification: Uncertain significance for Emery-Dreifuss muscular dystrophy 5, autosomal dominant. Last evaluated: 2022-08-25. Review status: criteria provided, single submitter. Criteria: Invitae Variant Classification Sherloc (09022015). Collection method: clinical testing. Allele origin: germline.
Comment: This variant is present in population databases (rs764621284, gnomAD 0.004%). In summary, the available evidence is currently insufficient to determine the role of this variant in disease. Therefore, it has been classified as a Variant of Uncertain Significance. Algorithms developed to predict the effect of missense changes on protein structure and function are either unavailable or do not agree on the potential impact of this missense change (SIFT: "Deleterious"; PolyPhen-2: "Probably Damaging"; Align-GVGD: "Class C0"). ClinVar contains an entry for this variant (Variation ID: 1039433). This variant has not been reported in the literature in individuals affected with SYNE2-related conditions. This sequence change replaces aspartic acid, which is acidic and polar, with histidine, which is basic and polar, at codon 2124 of the SYNE2 protein (p.Asp2124His).

NM_182914.3(SYNE2):c.6370G>C (p.Asp2124His)

Gene: SYNE2 (spectrin repeat containing nuclear envelope protein 2; plus strand). Cytogenetic location: 14q23.2.
Variant type: single nucleotide variant.
Coding change: c.6370G>C on transcript NM_182914.3 (MANE Select); coding-DNA position 6370, G replaced by C.
Protein change: p.Asp2124His; replaces aspartic acid 2124 with histidine.
Molecular consequence: missense variant.
Genome position (GRCh38, 1-based): chr14:64,026,696, G>C. VCF-style: chr14-64026696-G-C. GRCh37 (hg19) VCF-style: chr14-64493414-G-C.
Other names: c.6370G>C, p.Asp2124His (NM_015180.6); short protein forms D2124H.
Identifiers: ClinVar variation 1039433 (VCV001039433.8), dbSNP rs764621284, ClinGen allele CA7220685.